The following is an entry in ClinVar:

ClinVar aggregate classification (germline): Uncertain significance (1 of 4 stars; one submission).

Submission:

Ambry Genetics
Classification: Uncertain significance. Last evaluated: 2021-11-09. Review status: criteria provided, single submitter. Criteria: Ambry Variant Classification Scheme 2023. Collection method: clinical testing. Allele origin: germline.
Comment: The p.S310R variant (also known as c.930T>G), located in coding exon 4 of the MNDA gene, results from a T to G substitution at nucleotide position 930. The serine at codon 310 is replaced by arginine, an amino acid with dissimilar properties. This amino acid position is conserved. In addition, this alteration is predicted to be tolerated by in silico analysis. Since supporting evidence is limited at this time, the clinical significance of this alteration remains unclear.

NM_002432.3(MNDA):c.930T>G (p.Ser310Arg)

Gene: MNDA (myeloid cell nuclear differentiation antigen; plus strand). Cytogenetic location: 1q23.1.
Variant type: single nucleotide variant.
Coding change: c.930T>G on transcript NM_002432.3 (MANE Select); coding-DNA position 930, T replaced by G.
Protein change: p.Ser310Arg; replaces serine 310 with arginine.
Molecular consequence: missense variant.
Genome position (GRCh38, 1-based): chr1:158,845,946, T>G. VCF-style: chr1-158845946-T-G. GRCh37 (hg19) VCF-style: chr1-158815736-T-G.
Other names: short protein forms S310R.
Identifiers: ClinVar variation 1766543 (VCV001766543.2), dbSNP rs2526088270, ClinGen allele CA343042366.